The following is an entry in ClinVar:

ClinVar aggregate classification (germline): Uncertain significance (1 of 4 stars; one submission).

Conditions:
Holoprosencephaly 3 (HPE3). Identifiers: Orphanet 2162, MedGen C1840529, MONDO:0007733, OMIM 142945.

Allele frequency attached by ClinVar (database versions not stated): 1000 Genomes Project 0.00020; 1000 Genomes Project 30x 0.00016.
gnomAD v4.1: 36 of 152,258 alleles (0.024%); highest among the groups gnomAD compares: Admixed American, 0.12%; no homozygotes.

Submission:

Labcorp Genetics (formerly Invitae), Labcorp
Classification: Uncertain significance for Holoprosencephaly 3. Last evaluated: 2025-12-24. Review status: criteria provided, single submitter. Criteria: Invitae Variant Classification Sherloc (09022015). Collection method: clinical testing. Allele origin: germline.
Comment: This variant occurs in a non-coding region of the SHH gene. It does not change the encoded amino acid sequence of the SHH protein. This variant is present in population databases (rs182107923, gnomAD 0.02%). This variant has not been reported in the literature in individuals affected with SHH-related conditions. Experimental studies and prediction algorithms are not available or were not evaluated, and the effect of this variant on mRNA splicing is currently unknown. In summary, the available evidence is currently insufficient to determine the role of this variant in disease. Therefore, it has been classified as a Variant of Uncertain Significance.

NC_000007.14:g.156764268G>T

Genes: LMBR1 (limb development membrane protein 1; minus strand), SHH (sonic hedgehog signaling molecule; minus strand). Cytogenetic location: 7q36.3.
Variant type: single nucleotide variant.
Molecular consequence: intron variant (on NM_022458.4).
Genome position: GRCh38 VCF-style: chr7-156764268-G-T. GRCh37 (hg19) VCF-style: chr7-156556962-G-T.
Other names: c.361-473C>A (NM_001363412.2); c.145-473C>A (NM_001350954.2); c.424-473C>A (NM_001363410.2, NM_022458.4, NM_001363409.2 and 1 more transcripts); c.-33-473C>A (NM_001350958.2, NM_001350956.2, NM_001350955.2 and 1 more transcripts); c.55-473C>A (NM_001350957.2, NM_001363411.2).
Identifiers: ClinVar variation 2864980 (VCV002864980.3), dbSNP rs182107923, ClinGen allele CA169820386.